The following is an entry in ClinVar:

ClinVar aggregate classification (germline): Uncertain significance (1 of 4 stars; one submission).

Conditions:
Progressive sclerosing poliodystrophy (MTDPS4A). Also called: Mitochondrial DNA Depletion Syndrome 4A; ALPERS PROGRESSIVE INFANTILE POLIODYSTROPHY; NEURONAL DEGENERATION OF CHILDHOOD WITH LIVER DISEASE, PROGRESSIVE; Mitochondrial DNA depletion syndrome 4A (Alpers type); Alpers Syndrome; ALPERS DIFFUSE DEGENERATION OF CEREBRAL GRAY MATTER WITH HEPATIC CIRRHOSIS. Identifiers: Orphanet 726, MedGen C0205710, MONDO:0008758, OMIM 203700.

Submission:

Labcorp Genetics (formerly Invitae), Labcorp
Classification: Uncertain significance for Progressive sclerosing poliodystrophy. Last evaluated: 2022-05-21. Review status: criteria provided, single submitter. Criteria: Invitae Variant Classification Sherloc (09022015). Collection method: clinical testing. Allele origin: germline.
Comment: In summary, the available evidence is currently insufficient to determine the role of this variant in disease. Therefore, it has been classified as a Variant of Uncertain Significance. Experimental studies and prediction algorithms are not available or were not evaluated, and the functional significance of this variant is currently unknown. This variant is also known as c.-25_10dup (p.Leu4Profs*10). This variant has not been reported in the literature in individuals affected with POLG-related conditions. This variant is not present in population databases (gnomAD no frequency). This variant occurs in a non-coding region of the POLG gene. It does not change the encoded amino acid sequence of the POLG protein.

NM_002693.3(POLG):c.-25_10dup (p.Leu4delinsProAlaTrpGlySerLeuHisGlnProTer)

Genes: POLG (DNA polymerase gamma, catalytic subunit; minus strand), POLGARF (POLG alternative reading frame; minus strand). Cytogenetic location: 15q26.1.
Variant type: Duplication.
Coding change: c.-25_10dup on transcript NM_002693.3 (MANE Select); 25 bases upstream of the start codon through coding-DNA position 10, 35 bases duplicated.
Protein change: p.Leu4delinsProAlaTrpGlySerLeuHisGlnProTer.
Molecular consequence: nonsense, initiator codon variant.
Genome position (GRCh38, 1-based): chr15:89,333,745-89,333,779, 35 bases duplicated; duplicating any 35 consecutive bases within chr15:89,333,745-89,333,781 gives the same sequence; the c. name uses the placement nearest the transcript's 3' end. GRCh37 (hg19): chr15:89,876,978-89,877,012.
Other names: c.-25_10dup, p.Leu4delinsProAlaTrpGlySerLeuHisGlnProTer (NM_001126131.2).
Identifiers: ClinVar variation 1997222 (VCV001997222.5), dbSNP rs2509278398, ClinGen allele CA2580090404.